The following is an entry in ClinVar:

ClinVar aggregate classification (germline): Uncertain significance (1 of 4 stars; one submission).

Conditions:
Autosomal recessive limb-girdle muscular dystrophy type 2O. Also called: Limb-Girdle Muscular Dystrophy Type 3C; MUSCULAR DYSTROPHY-DYSTROGLYCANOPATHY (LIMB-GIRDLE), TYPE C, 3; MUSCULAR DYSTROPHY-DYSTROGLYCANOPATHY, LIMB-GIRDLE, POMGNT1-RELATED. Identifiers: Orphanet 206564, MedGen C3150417, MONDO:0013161, OMIM 613157.
Muscular dystrophy-dystroglycanopathy (congenital with impaired intellectual development), type B, 3. Also called: Muscular dystrophy-dystroglycanopathy (congenital with intellectual disability), type B3; MUSCULAR DYSTROPHY, CONGENITAL, POMGNT1-RELATED. Identifiers: MedGen C3150412, MONDO:0013155, OMIM 613151.

Allele frequency attached by ClinVar (database versions not stated): gnomAD 0.00001; TOPMed 0.00001; ExAC 0.00002.
gnomAD v4.1: 38 of 1,614,022 alleles (0.0024%); highest among the groups gnomAD compares: Non-Finnish European, 0.0031%; no homozygotes.

Submission:

Labcorp Genetics (formerly Invitae), Labcorp
Classification: Uncertain significance for Autosomal recessive limb-girdle muscular dystrophy type 2O; Muscular dystrophy-dystroglycanopathy (congenital with impaired intellectual development), type B, 3. Last evaluated: 2021-07-01. Review status: criteria provided, single submitter. Criteria: Invitae Variant Classification Sherloc (09022015). Collection method: clinical testing. Allele origin: germline.
Comment: This sequence change falls in intron 7 of the POMGNT1 gene. It does not directly change the encoded amino acid sequence of the POMGNT1 protein. It affects a nucleotide within the consensus splice site of the intron. This variant is present in population databases (rs772758795, ExAC 0.003%). This variant has not been reported in the literature in individuals with POMGNT1-related conditions. Nucleotide substitutions within the consensus splice site are a relatively common cause of aberrant splicing (PMID: 17576681, 9536098). Algorithms developed to predict the effect of sequence changes on RNA splicing suggest that this variant may create or strengthen a splice site, but this prediction has not been confirmed by published transcriptional studies. In summary, the available evidence is currently insufficient to determine the role of this variant in disease. Therefore, it has been classified as a Variant of Uncertain Significance.

Literature cited by the submitters: PubMed 17576681; PubMed 9536098.

NM_017739.4(POMGNT1):c.652+3G>A

Genes: TSPAN1 (tetraspanin 1; plus strand), POMGNT1 (protein O-linked mannose N-acetylglucosaminyltransferase 1 (beta 1,2-); minus strand). Cytogenetic location: 1p34.1.
Variant type: single nucleotide variant.
Coding change: c.652+3G>A on transcript NM_017739.4 (MANE Select); 3 bases into the intron after coding-DNA position 652, G replaced by A.
Molecular consequence: intron variant.
Genome position (GRCh38, 1-based): chr1:46,194,841, C>T on the plus strand (G>A on the coding strand, the complement: POMGNT1 is on the minus strand). VCF-style: chr1-46194841-C-T. GRCh37 (hg19) VCF-style: chr1-46660513-C-T.
Other names: c.652+3G>A (NM_001243766.2, NM_001438686.1, NM_001438688.1 and 3 more transcripts); c.586+3G>A (NM_001290129.3, NM_001438691.1, NM_001438692.1); c.223+3G>A (NM_001290130.2).
Identifiers: ClinVar variation 2051987 (VCV002051987.1), dbSNP rs772758795, ClinGen allele CA833666.